The following is an entry in ClinVar:

ClinVar aggregate classification (germline): Likely benign. Review status: criteria provided, multiple submitters, no conflicts (2 of 4 stars). 5 submissions from 5 submitters: Likely benign (4). 1 of the submissions does not count toward it. Last evaluated 2025-10-26.

Conditions:
POLE-related disorder. Also called: POLE-related disorders; POLE-related condition.
Colorectal cancer, susceptibility to, 12 (CRCS12). Also called: COLORECTAL CANCER, SUSCEPTIBILITY TO, ON CHROMOSOME 12q24. Identifiers: Orphanet 220460, MedGen C3554460, MONDO:0014038, OMIM 615083.

Allele frequency attached by ClinVar (database versions not stated): ExAC 0.00001.
gnomAD v4.1: 6 of 1,595,158 alleles (0.00038%); highest among the groups gnomAD compares: Non-Finnish European, 0.00026%; no homozygotes.

Submissions (5):

Labcorp Genetics (formerly Invitae), Labcorp
Classification: Likely benign. Last evaluated: 2025-10-26. Review status: criteria provided, single submitter. Criteria: Invitae Variant Classification Sherloc (09022015). Collection method: clinical testing. Allele origin: germline.

Center for Genomic Medicine, Rigshospitalet, Copenhagen University Hospital
Classification: Likely benign. Last evaluated: 2025-03-04. Review status: criteria provided, single submitter. Criteria: ACMG Guidelines, 2015. Collection method: clinical testing. Allele origin: germline.

Myriad Genetics, Inc.
Classification: Likely benign for Colorectal cancer, susceptibility to, 12. Last evaluated: 2025-02-07. Review status: criteria provided, single submitter. Criteria: Myriad Autosomal Dominant, Autosomal Recessive and X-Linked Classification Criteria (2023). Collection method: clinical testing. Allele origin: unknown.
Comment: This variant is considered likely benign. This variant is intronic and is not expected to impact mRNA splicing.

KCCC/NGS Laboratory, Kuwait Cancer Control Center
Classification: Likely benign for Colorectal cancer, susceptibility to, 12. Last evaluated: 2023-07-07. Review status: criteria provided, single submitter. Criteria: ACMG Guidelines, 2015. Collection method: clinical testing. Allele origin: germline. Affected: yes.

PreventionGenetics, part of Exact Sciences
Classification: Likely benign for POLE-related condition. Last evaluated: 2022-06-10. Review status: no assertion criteria provided. Collection method: clinical testing. Allele origin: germline. Not counted in ClinVar's aggregate classification.
Comment: This variant is classified as likely benign based on ACMG/AMP sequence variant interpretation guidelines (Richards et al. 2015 PMID: 25741868, with internal and published modifications).

NM_006231.4(POLE):c.802-6C>T

Gene: POLE (DNA polymerase epsilon, catalytic subunit; minus strand). Cytogenetic location: 12q24.33.
Variant type: single nucleotide variant.
Coding change: c.802-6C>T on transcript NM_006231.4 (MANE Select); 6 bases into the intron before coding-DNA position 802, C replaced by T.
Molecular consequence: intron variant.
Genome position (GRCh38, 1-based): chr12:132,676,659, G>A on the plus strand (C>T on the coding strand, the complement: POLE is on the minus strand). VCF-style: chr12-132676659-G-A. GRCh37 (hg19) VCF-style: chr12-133253245-G-A.
Identifiers: ClinVar variation 240630 (VCV000240630.16), dbSNP rs754779082, ClinGen allele CA6894168.